The following is an entry in ClinVar:

NM_006389.5(HYOU1):c.1992+6C>T

Gene: HYOU1 (hypoxia up-regulated 1; minus strand). Cytogenetic location: 11q23.3.
Variant type: single nucleotide variant.
Coding change: c.1992+6C>T on transcript NM_006389.5 (MANE Select); 6 bases into the intron after coding-DNA position 1992, C replaced by T.
Molecular consequence: intron variant.
Genome position (GRCh38, 1-based): chr11:119,049,012, G>A on the plus strand (C>T on the coding strand, the complement: HYOU1 is on the minus strand). VCF-style: chr11-119049012-G-A. GRCh37 (hg19) VCF-style: chr11-118919724-G-A.
Other names: c.1992+6C>T (NM_001130991.3).
Identifiers: ClinVar variation 1990160 (VCV001990160.4), dbSNP rs782076979, ClinGen allele CA229619592.

ClinVar aggregate classification (germline): Uncertain significance (1 of 4 stars; one submission).

Allele frequency attached by ClinVar (database versions not stated): TOPMed 0.00002; gnomAD 0.00003; gnomAD exomes 0.00003.
gnomAD v4.1: 48 of 1,613,768 alleles (0.003%); highest among the groups gnomAD compares: Non-Finnish European, 0.0037%; no homozygotes.

Submission:

Labcorp Genetics (formerly Invitae), Labcorp
Classification: Uncertain significance. Last evaluated: 2025-11-13. Review status: criteria provided, single submitter. Criteria: Invitae Variant Classification Sherloc (09022015). Collection method: clinical testing. Allele origin: germline.
Comment: This sequence change falls in intron 17 of the HYOU1 gene. It does not directly change the encoded amino acid sequence of the HYOU1 protein. It affects a nucleotide within the consensus splice site. This variant is present in population databases (rs782076979, gnomAD 0.005%). This variant has not been reported in the literature in individuals affected with HYOU1-related conditions. ClinVar contains an entry for this variant (Variation ID: 1990160). Variants that disrupt the consensus splice site are a relatively common cause of aberrant splicing (PMID: 17576681, 9536098). Algorithms developed to predict the effect of sequence changes on RNA splicing suggest that this variant is not likely to affect RNA splicing. In summary, the available evidence is currently insufficient to determine the role of this variant in disease. Therefore, it has been classified as a Variant of Uncertain Significance.

Literature cited by the submitters: PubMed 17576681; PubMed 9536098.